The following is an entry in ClinVar:

NM_022114.4(PRDM16):c.2885G>T (p.Arg962Ile)

Gene: PRDM16 (PR/SET domain 16; plus strand). Cytogenetic location: 1p36.32.
Variant type: single nucleotide variant.
Coding change: c.2885G>T on transcript NM_022114.4 (MANE Select); coding-DNA position 2885, G replaced by T.
Protein change: p.Arg962Ile; replaces arginine 962 with isoleucine.
Molecular consequence: missense variant.
Genome position (GRCh38, 1-based): chr1:3,418,690, G>T. VCF-style: chr1-3418690-G-T. GRCh37 (hg19) VCF-style: chr1-3335254-G-T.
Other names: c.2885G>T, p.Arg962Ile (NM_199454.3); short protein forms R962I.
Identifiers: ClinVar variation 4730400 (VCV004730400.1).

ClinVar aggregate classification (germline): Uncertain significance (1 of 4 stars; one submission).

Conditions:
Left ventricular noncompaction 8 (LVNC8). Identifiers: Orphanet 154, Orphanet 54260, MedGen C3809288, MONDO:0014152, OMIM 615373.

Submission:

Labcorp Genetics (formerly Invitae), Labcorp
Classification: Uncertain significance for Left ventricular noncompaction 8. Last evaluated: 2025-11-09. Review status: criteria provided, single submitter. Criteria: Invitae Variant Classification Sherloc (09022015). Collection method: clinical testing. Allele origin: germline.
Comment: This sequence change replaces arginine, which is basic and polar, with isoleucine, which is neutral and non-polar, at codon 962 of the PRDM16 protein (p.Arg962Ile). This variant is not present in population databases (gnomAD no frequency). This variant has not been reported in the literature in individuals affected with PRDM16-related conditions. An algorithm developed to predict the effect of missense changes on protein structure and function (PolyPhen-2) suggests that this variant is likely to be disruptive. In summary, the available evidence is currently insufficient to determine the role of this variant in disease. Therefore, it has been classified as a Variant of Uncertain Significance.